The following is an entry in ClinVar:

NM_014927.5(CNKSR2):c.2935C>G (p.Pro979Ala)

Gene: CNKSR2 (connector enhancer of kinase suppressor of Ras 2; plus strand). Cytogenetic location: Xp22.12.
Variant type: single nucleotide variant.
Coding change: c.2935C>G on transcript NM_014927.5 (MANE Select); coding-DNA position 2935, C replaced by G.
Protein change: p.Pro979Ala; replaces proline 979 with alanine.
Molecular consequence: missense variant.
Genome position (GRCh38, 1-based): chrX:21,652,351, C>G. VCF-style: chrX-21652351-C-G. GRCh37 (hg19) VCF-style: chrX-21670469-C-G.
Other names: c.2845C>G, p.Pro949Ala (NM_001168647.3); c.2788C>G, p.Pro930Ala (NM_001330770.2); c.2698C>G, p.Pro900Ala (NM_001330772.2); short protein forms P900A, P930A, P949A, P979A.
Identifiers: ClinVar variation 3235754 (VCV003235754.1), dbSNP rs2519452809, ClinGen allele CA412554232.

ClinVar aggregate classification (germline): Uncertain significance (1 of 4 stars; one submission).

Submission:

Greenwood Genetic Center Diagnostic Laboratories, Greenwood Genetic Center
Classification: Uncertain significance. Last evaluated: 2024-02-21. Review status: criteria provided, single submitter. Criteria: ACMG Guidelines, 2015. Collection method: clinical testing. Allele origin: germline. Affected: yes.
Comment: PM2